The following is an entry in ClinVar:

ClinVar aggregate classification (germline): Uncertain significance. Review status: criteria provided, multiple submitters, no conflicts (2 of 4 stars). 2 submissions from 2 submitters: Uncertain significance (2). Last evaluated 2026-09-17.

Conditions:
Metachromatic leukodystrophy (MLD). Also called: ARSA DEFICIENCY; CEREBROSIDE SULFATASE DEFICIENCY; METACHROMATIC LEUKOENCEPHALOPATHY; SULFATIDE LIPIDOSIS; Cerebral sclerosis diffuse metachromatic form; Arylsulfatase A Deficiency. Identifiers: Orphanet 512, MedGen C0023522, MONDO:0018868, OMIM 250100.

Submissions (2):

Laboratory of Experimental Gene Therapy of Hereditary Metabolic Diseases, Research Centre for Medical Genetics
Classification: Uncertain significance for Metachromatic leukodystrophy. Last evaluated: 2026-09-17. Review status: criteria provided, single submitter. Criteria: ARSA MLD Assertion Criteria V2 2026 09 18. Collection method: clinical testing. Allele origin: germline. Inheritance: Autosomal recessive inheritance. Observed: 1 variant allele, 1 homozygote.
Comment: Reassessed under ACMG/AMP 2015 with ClinGen SVI refinements and a Bayesian point framework (supporting=1, moderate=2, strong=4, very strong=8; 6-9 points=likely pathogenic; >=10 points=pathogenic). Final score: 3. Evidence applied: PM2_Supporting, PP3_Moderate. Observations from the present referral series were excluded from classification.

Neuberg Centre For Genomic Medicine, NCGM
Classification: Uncertain significance for Metachromatic leukodystrophy. Review status: criteria provided, single submitter. Criteria: ACMG Guidelines, 2015. Collection method: clinical testing. Allele origin: germline. Inheritance: Autosomal recessive inheritance. Affected: yes.
Comment: The observed missense c.217C>T (p.Pro73Ser) variant in ARSA gene has not been reported previously as a pathogenic variant nor as a benign variant, to our knowledge. The p.Pro73Ser variant is absent in gnomAD Exomes. This variant has not been submitted to the ClinVar database. The amino acid change p.Pro73Ser in ARSA is predicted as conserved by GERP++ and PhyloP across 100 vertebrates. The amino acid Pro at position 73 is changed to a Ser changing protein sequence and it might alter its composition and physico-chemical properties. For these reasons, this variant has been classified as a Variant of Uncertain Significance (VUS).

NM_000487.6(ARSA):c.217C>T (p.Pro73Ser)

Gene: ARSA (arylsulfatase A; minus strand). Cytogenetic location: 22q13.33.
Variant type: single nucleotide variant.
Coding change: c.217C>T on transcript NM_000487.6 (MANE Select); coding-DNA position 217, C replaced by T.
Protein change: p.Pro73Ser; replaces proline 73 with serine.
Molecular consequence: missense variant. On other transcripts: intron variant (2).
Genome position (GRCh38, 1-based): chr22:50,627,563, G>A on the plus strand (C>T on the coding strand, the complement: ARSA is on the minus strand). VCF-style: chr22-50627563-G-A. GRCh37 (hg19) VCF-style: chr22-51065991-G-A.
Other names: NP_000478.3:p.(Pro73Ser); c.217C>T, p.Pro73Ser (NM_001085425.3, NM_001085426.3, NM_001085427.3); c.-34-157C>T (NM_001362782.2, NM_001085428.3); short protein forms P73S.
Identifiers: ClinVar variation 3242209 (VCV003242209.3), dbSNP rs2518336089.